The following is an entry in ClinVar:

NM_001903.5(CTNNA1):c.1602T>A (p.Asp534Glu)

Gene: CTNNA1 (catenin alpha 1; plus strand). Cytogenetic location: 5q31.2.
Variant type: single nucleotide variant.
Coding change: c.1602T>A on transcript NM_001903.5 (MANE Select); coding-DNA position 1602, T replaced by A.
Protein change: p.Asp534Glu; replaces aspartic acid 534 with glutamic acid.
Molecular consequence: missense variant.
Genome position (GRCh38, 1-based): chr5:138,924,565, T>A. VCF-style: chr5-138924565-T-A. GRCh37 (hg19) VCF-style: chr5-138260254-T-A.
Other names: c.249T>A, p.Asp83Glu (NM_001324012.1, NM_001324013.1); c.1602T>A, p.Asp534Glu (NM_001290307.3, NM_001323982.2, NM_001323983.1 and 2 more transcripts); c.1293T>A, p.Asp431Glu (NM_001290309.3); c.1233T>A, p.Asp411Glu (NM_001290310.3); c.492T>A, p.Asp164Glu (NM_001290312.1, NM_001323987.1, NM_001323988.1 and 17 more transcripts); c.1509T>A, p.Asp503Glu (NM_001323986.2); c.153T>A, p.Asp51Glu (NM_001324006.1, NM_001324007.1, NM_001324008.1 and 2 more transcripts); c.399T>A, p.Asp133Glu (NM_001324011.1); short protein forms D133E, D164E, D411E, D431E, D503E, D51E, D534E, D83E.
Identifiers: ClinVar variation 4869472 (VCV004869472.1).
Genomic context (GRCh38, chr5:138,924,565, plus strand): 5'-TCCAGAGAATCACATTTTGGAAGATGTGAACAAATGTGTCATTGCTCTCCAAGAGAAGGA[T>A]GTGGATGGCCTGGACCGCACAGCTGGTGCAATTCGAGGCCGGGCAGCCCGGGTCATTCAC-3'
Protein context (NP_001894.2, residues 524-544): NKCVIALQEK[Asp534Glu]VDGLDRTAGA

ClinVar aggregate classification (germline): Uncertain significance (1 of 4 stars; one submission).

Conditions:
Hereditary cancer-predisposing syndrome. Also called: Neoplastic Syndromes, Hereditary; Tumor predisposition; Hereditary Cancer Syndrome; Hereditary neoplastic syndrome. Identifiers: Orphanet 140162, MedGen C0027672, MeSH D009386, MONDO:0015356.

Submission:

Ambry Genetics
Classification: Uncertain significance for Hereditary cancer-predisposing syndrome. Last evaluated: 2026-04-12. Review status: criteria provided, single submitter. Criteria: Ambry Variant Classification Scheme 2023. Collection method: clinical testing. Allele origin: germline.
Comment: The p.D534E variant (also known as c.1602T>A), located in coding exon 11 of the CTNNA1 gene, results from a T to A substitution at nucleotide position 1602. The aspartic acid at codon 534 is replaced by glutamic acid, an amino acid with highly similar properties. This amino acid position is conserved. In addition, this alteration is predicted to be tolerated by in silico analysis. Based on the available evidence, the clinical significance of this variant remains unclear.